The following is an entry in ClinVar:

NM_003743.5(NCOA1):c.3397A>G (p.Met1133Val)

Gene: NCOA1 (nuclear receptor coactivator 1; plus strand). Cytogenetic location: 2p23.3.
Variant type: single nucleotide variant.
Coding change: c.3397A>G on transcript NM_003743.5 (MANE Select); coding-DNA position 3397, A replaced by G.
Protein change: p.Met1133Val; replaces methionine 1133 with valine.
Molecular consequence: missense variant.
Genome position (GRCh38, 1-based): chr2:24,741,877, A>G. VCF-style: chr2-24741877-A-G. GRCh37 (hg19) VCF-style: chr2-24964746-A-G.
Other names: c.3397A>G, p.Met1133Val (NM_001362950.1, NM_001362952.1, NM_001362954.1 and 3 more transcripts); short protein forms M1133V.
Identifiers: ClinVar variation 4117790 (VCV004117790.2).
Genomic context (GRCh38, chr2:24,741,877, plus strand): 5'-CAGCGGGAACTGTACAGTCAACAGCACCGACAGAGGCAGCTAATACAGCAGCAAAGAGCC[A>G]TGCTTATGAGGCAGCAAAGCTTTGGGAACAACCTCCCTCCCTCATCTGGACTACCAGTTC-3'
Protein context (NP_003734.3, residues 1123-1143): QRQLIQQQRA[Met1133Val]LMRQQSFGNN

ClinVar aggregate classification (germline): Uncertain significance. Review status: criteria provided, multiple submitters, no conflicts (2 of 4 stars). 2 submissions from 2 submitters: Uncertain significance (2). Last evaluated 2025-08-04.

Conditions:
NCOA1-related disorder. Also called: NCOA1-related condition.

Submissions (2):

Ambry Genetics
Classification: Uncertain significance. Last evaluated: 2025-08-04. Review status: criteria provided, single submitter. Criteria: Ambry Variant Classification Scheme 2023. Collection method: clinical testing. Allele origin: germline.

PreventionGenetics, part of Exact Sciences
Classification: Uncertain significance for NCOA1-related condition. Last evaluated: 2025-06-02. Review status: criteria provided, single submitter. Criteria: ACMG Guidelines, 2015. Collection method: clinical testing. Allele origin: germline.
Comment: The NCOA1 c.3397A>G variant is predicted to result in the amino acid substitution p.Met1133Val. To our knowledge, this variant has not been reported in the literature. This variant is reported in 0.0046% of alleles in individuals of European (Non-Finnish) descent in gnomAD. At this time, the clinical significance of this variant is uncertain due to the absence of conclusive functional and genetic evidence.